The following is an entry in ClinVar:

NM_194454.3(KRIT1):c.1036T>A (p.Cys346Ser)

Gene: KRIT1 (KRIT1 ankyrin repeat containing; minus strand). Cytogenetic location: 7q21.2.
Variant type: single nucleotide variant.
Coding change: c.1036T>A on transcript NM_194454.3 (MANE Select); coding-DNA position 1036, T replaced by A.
Protein change: p.Cys346Ser; replaces cysteine 346 with serine.
Molecular consequence: missense variant.
Genome position (GRCh38, 1-based): chr7:92,226,636, A>T on the plus strand (T>A on the coding strand, the complement: KRIT1 is on the minus strand). VCF-style: chr7-92226636-A-T. GRCh37 (hg19) VCF-style: chr7-91855950-A-T.
Other names: c.892T>A, p.Cys298Ser (NM_001013406.2, NM_001350669.1, NM_001350670.1); c.322T>A, p.Cys108Ser (NM_001350671.1); c.1036T>A, p.Cys346Ser (NM_001350672.1, NM_001350673.1, NM_001350674.1 and 26 more transcripts); short protein forms C346S, C298S, C108S.
Identifiers: ClinVar variation 430488 (VCV000430488.2), dbSNP rs1131691991, ClinGen allele CA368153332.
Genomic context (GRCh38, chr7:92,226,636, plus strand): 5'-CTCCTCCAGCAGCAAAATGAAGAGGAGAACTAAGTTGTCCATTTAAAAGGTTTGGATTGC[A>T]CTTTCCTTTCTCTAACAATATGCGAGTGGCCTCAACTTTTCCATACCTGTATAAAAAAAC-3'
Protein context (NP_919436.1, residues 336-356): ATRILLEKGK[Cys346Ser]NPNLLNGQLS

ClinVar aggregate classification (germline): Uncertain significance (1 of 4 stars; one submission).

Submission:

GeneDx
Classification: Uncertain significance. Last evaluated: 2017-05-22. Review status: criteria provided, single submitter. Criteria: GeneDx Variant Classification (06012015). Collection method: clinical testing. Allele origin: germline. Affected: yes.
Comment: The C346S variant in the KRIT1 gene has not been reported previously as a pathogenic variant, nor as a benign variant, to our knowledge. The C346S variant is not observed in large population cohorts (Lek et al., 2016; 1000 Genomes Consortium et al., 2015; Exome Variant Server). The C346S variant is a non-conservative amino acid substitution, which is likely to impact secondary protein structure as these residues differ in polarity, charge, size and/or other properties. This substitution occurs at a position that is conserved across species, and in silico analysis predicts this variant is probably damaging to the protein structure/function. Based on currently available evidence, we interpret C346S as a variant of uncertain significance.